The following is an entry in ClinVar:

NM_000255.4(MMUT):c.437A>G (p.Tyr146Cys)

Gene: MMUT (methylmalonyl-CoA mutase; minus strand). Cytogenetic location: 6p12.3.
Variant type: single nucleotide variant.
Coding change: c.437A>G on transcript NM_000255.4 (MANE Select); coding-DNA position 437, A replaced by G.
Protein change: p.Tyr146Cys; replaces tyrosine 146 with cysteine.
Molecular consequence: missense variant.
Genome position (GRCh38, 1-based): chr6:49,458,007, T>C on the plus strand (A>G on the coding strand, the complement: MMUT is on the minus strand). VCF-style: chr6-49458007-T-C. GRCh37 (hg19) VCF-style: chr6-49425720-T-C.
Other names: short protein forms Y146C.
Identifiers: ClinVar variation 3912270 (VCV003912270.3).

ClinVar aggregate classification (germline): Uncertain significance. Review status: criteria provided, multiple submitters, no conflicts (2 of 4 stars). 2 submissions from 2 submitters: Uncertain significance (2). Last evaluated 2025-06-03.

Conditions:
Methylmalonic aciduria due to methylmalonyl-CoA mutase deficiency (MAMM). Also called: Methylmalonic aciduria, mut type. Identifiers: Orphanet 27, MedGen C1855114, MONDO:0009612, OMIM 251000.

gnomAD v4.1: 38 of 1,604,564 alleles (0.0024%); highest among the groups gnomAD compares: East Asian, 0.067%; no homozygotes.

Submissions (2):

Ambry Genetics
Classification: Uncertain significance. Last evaluated: 2025-06-03. Review status: criteria provided, single submitter. Criteria: Ambry Variant Classification Scheme 2023. Collection method: clinical testing. Allele origin: germline.

Juno Genomics, Hangzhou Juno Genomics, Inc
Classification: Uncertain significance for Methylmalonic aciduria due to methylmalonyl-CoA mutase deficiency. Review status: criteria provided, single submitter. Criteria: ACMG Guidelines, 2015. Collection method: clinical testing. Allele origin: germline.
Comment: Absent from controls (or at extremely low frequency if recessive) in Genome Aggregation Database.;Multiple lines of computational evidence support a deleterious effect on the gene or gene product.